The following is an entry in ClinVar:

ClinVar aggregate classification (germline): Likely benign (0 of 4 stars; one submission).

Conditions:
JAK2-related disorder. Also called: JAK2-related condition.

Allele frequency attached by ClinVar (database versions not stated): ExAC 0.00001; gnomAD exomes 0.00001; TOPMed 0.00001.
gnomAD v4.1: 3 of 1,611,020 alleles (0.00019%); highest among the groups gnomAD compares: Admixed American, 0.005%; no homozygotes.

Submission:

PreventionGenetics, part of Exact Sciences
Classification: Likely benign for JAK2-related condition. Last evaluated: 2019-02-19. Review status: no assertion criteria provided. Collection method: clinical testing. Allele origin: germline.
Comment: This variant is classified as likely benign based on ACMG/AMP sequence variant interpretation guidelines (Richards et al. 2015 PMID: 25741868, with internal and published modifications).

NM_004972.4(JAK2):c.1014A>G (p.Glu338=)

Genes: INSL6 (insulin like 6; minus strand), JAK2 (Janus kinase 2; plus strand). Cytogenetic location: 9p24.1.
Variant type: single nucleotide variant.
Coding change: c.1014A>G on transcript NM_004972.4 (MANE Select); coding-DNA position 1014, A replaced by G.
Protein change: p.Glu338=; no amino-acid change (glutamic acid 338 retained).
Molecular consequence: synonymous variant. On other transcripts: 5 prime UTR variant (2), non-coding transcript variant (2).
Genome position (GRCh38, 1-based): chr9:5,055,746, A>G. VCF-style: chr9-5055746-A-G. GRCh37 (hg19) VCF-style: chr9-5055746-A-G.
Other names: c.1014A>G, p.Glu338= (NM_001322194.2, NM_001322195.2, NM_001322196.2); c.-202A>G (NM_001322198.2, NM_001322199.2); c.567A>G, p.Glu189= (NM_001322204.2).
Identifiers: ClinVar variation 3058705 (VCV003058705.2), dbSNP rs761540696, ClinGen allele CA4971712.